The following is an entry in ClinVar:

NM_016648.4(LARP7):c.1417-2_1421del

Gene: LARP7 (La ribonucleoprotein 7, transcriptional regulator; plus strand). Cytogenetic location: 4q25.
Variant type: Deletion.
Coding change: c.1417-2_1421del on transcript NM_016648.4 (MANE Select); the canonical splice acceptor site of the intron before coding-DNA position 1417 through coding-DNA position 1421, 7 bases deleted (AGGATAC; older notation c.1417-2_1421delAGGATAC).
Molecular consequence: splice acceptor variant.
Genome position (GRCh38, 1-based): chr4:112,653,075-112,653,081, AGGATAC deleted; deleting any 7 consecutive bases within chr4:112,653,074-112,653,081 gives the same sequence; the c. name uses the placement nearest the transcript's 3' end. VCF-style (leftmost placement, unchanged base first): chr4-112653073-GCAGGATA-G. GRCh37 (hg19) VCF-style: chr4-113574229-GCAGGATA-G.
Other names: c.1417-2_1421del (NM_001267039.4, NM_001370978.1, NM_015454.3); c.1456-2_1460del (NM_001370974.1, NM_001370975.1); c.1453-2_1457del (NM_001370976.1, NM_001370977.1); c.1414-2_1418del (NM_001370979.1, NM_001370980.1); c.1180-2_1184del (NM_001370982.1, NM_001370981.1); c.1417-2_1421delAGGATAC (NM_016648.3).
Identifiers: ClinVar variation 451294 (VCV000451294.3), dbSNP rs1554013625, ClinGen allele CA658657400.

ClinVar aggregate classification (germline): Likely pathogenic (1 of 4 stars; one submission).

Submission:

GeneDx
Classification: Likely pathogenic. Last evaluated: 2017-08-10. Review status: criteria provided, single submitter. Criteria: GeneDx Variant Classification (06012015). Collection method: clinical testing. Allele origin: germline. Affected: yes.
Comment: The c.1417-2_1421delAGGATAC variant in the LARP7 gene has not been reported previously as a pathogenic variant nor as a benign variant, to our knowledge. This splice site variant destroys the canonical splice acceptor site in intron 10 and spans the intron 10/exon 11 boundary. It is predicted to cause abnormal gene splicing, either leading to an abnormal message that is subject to nonsense-mediated mRNA decay, or to an abnormal protein product if the message is used for protein translation. The c.1417-2_1421delAGGATAC variant is not observed in large population cohorts (Lek et al., 2016; 1000 Genomes Consortium et al., 2015; Exome Variant Server). We interpret c.1417-2_1421delAGGATAC as a likely pathogenic variant.